The following is an entry in ClinVar:

NM_006073.4(TRDN):c.1393A>G (p.Lys465Glu)

Gene: TRDN (triadin; minus strand). Cytogenetic location: 6q22.31.
Variant type: single nucleotide variant.
Coding change: c.1393A>G on transcript NM_006073.4 (MANE Select); coding-DNA position 1393, A replaced by G.
Protein change: p.Lys465Glu; replaces lysine 465 with glutamic acid.
Molecular consequence: missense variant.
Genome position (GRCh38, 1-based): chr6:123,337,646, T>C on the plus strand (A>G on the coding strand, the complement: TRDN is on the minus strand). VCF-style: chr6-123337646-T-C. GRCh37 (hg19) VCF-style: chr6-123658791-T-C.
Other names: short protein forms K465E.
Identifiers: ClinVar variation 1432394 (VCV001432394.9), dbSNP rs1779922492, ClinGen allele CA365564859.

ClinVar aggregate classification (germline): Uncertain significance (1 of 4 stars; one submission).

Conditions:
Catecholaminergic polymorphic ventricular tachycardia 1. Also called: VENTRICULAR TACHYCARDIA, CATECHOLAMINERGIC POLYMORPHIC, 1, WITH OR WITHOUT ATRIAL DYSFUNCTION AND/OR DILATED CARDIOMYOPATHY; RYR2-Related Catecholaminergic Polymorphic Ventricular Tachycardia; VENTRICULAR TACHYCARDIA, STRESS-INDUCED POLYMORPHIC 1. Identifiers: Orphanet 3286, MedGen C1631597, MONDO:0011484, OMIM 604772.

Allele frequency attached by ClinVar (database versions not stated): gnomAD 0.00001.

Submission:

Labcorp Genetics (formerly Invitae), Labcorp
Classification: Uncertain significance for Catecholaminergic polymorphic ventricular tachycardia 1. Last evaluated: 2025-08-18. Review status: criteria provided, single submitter. Criteria: Invitae Variant Classification Sherloc (09022015). Collection method: clinical testing. Allele origin: germline.
Comment: This sequence change replaces lysine, which is basic and polar, with glutamic acid, which is acidic and polar, at codon 465 of the TRDN protein (p.Lys465Glu). This variant is not present in population databases (gnomAD no frequency). This variant has not been reported in the literature in individuals affected with TRDN-related conditions. ClinVar contains an entry for this variant (Variation ID: 1432394). Invitae Evidence Modeling of protein sequence and biophysical properties (such as structural, functional, and spatial information, amino acid conservation, physicochemical variation, residue mobility, and thermodynamic stability) indicates that this missense variant is not expected to disrupt TRDN protein function with a negative predictive value of 80%. In summary, the available evidence is currently insufficient to determine the role of this variant in disease. Therefore, it has been classified as a Variant of Uncertain Significance.